The following is an entry in ClinVar:

NM_004618.5(TOP3A):c.1925C>T (p.Ala642Val)

Gene: TOP3A (DNA topoisomerase III alpha; minus strand). Cytogenetic location: 17p11.2.
Variant type: single nucleotide variant.
Coding change: c.1925C>T on transcript NM_004618.5 (MANE Select); coding-DNA position 1925, C replaced by T.
Protein change: p.Ala642Val; replaces alanine 642 with valine.
Molecular consequence: missense variant.
Genome position (GRCh38, 1-based): chr17:18,282,794, G>A on the plus strand (C>T on the coding strand, the complement: TOP3A is on the minus strand). VCF-style: chr17-18282794-G-A. GRCh37 (hg19) VCF-style: chr17-18186108-G-A.
Other names: c.1640C>T, p.Ala547Val (NM_001320759.2); c.1925C>T (NM_004618.3); short protein forms A642V, A547V.
Identifiers: ClinVar variation 1950430 (VCV001950430.4), dbSNP rs768055924, ClinGen allele CA8429747.

ClinVar aggregate classification (germline): Uncertain significance. Review status: criteria provided, multiple submitters, no conflicts (2 of 4 stars). 2 submissions from 2 submitters: Uncertain significance (2). Last evaluated 2023-06-02.

Conditions:
Inborn genetic diseases. Identifiers: MedGen C0950123, MeSH D030342.

Allele frequency attached by ClinVar (database versions not stated): ExAC 0.00002; gnomAD exomes 0.00002; TOPMed 0.00002; gnomAD 0.00003.
gnomAD v4.1: 34 of 1,614,054 alleles (0.0021%); highest among the groups gnomAD compares: Middle Eastern, 0.016%; no homozygotes.

Submissions (2):

Ambry Genetics
Classification: Uncertain significance for Inborn genetic diseases. Last evaluated: 2023-06-02. Review status: criteria provided, single submitter. Criteria: Ambry Variant Classification Scheme 2023. Collection method: clinical testing. Allele origin: germline.

Labcorp Genetics (formerly Invitae), Labcorp
Classification: Uncertain significance. Last evaluated: 2022-06-16. Review status: criteria provided, single submitter. Criteria: Invitae Variant Classification Sherloc (09022015). Collection method: clinical testing. Allele origin: germline.
Comment: This sequence change replaces alanine, which is neutral and non-polar, with valine, which is neutral and non-polar, at codon 642 of the TOP3A protein (p.Ala642Val). The frequency data for this variant in the population databases is considered unreliable, as metrics indicate poor data quality at this position in the gnomAD database. This variant has not been reported in the literature in individuals affected with TOP3A-related conditions. Algorithms developed to predict the effect of missense changes on protein structure and function output the following: SIFT: "Not Available"; PolyPhen-2: "Benign"; Align-GVGD: "Not Available". The valine amino acid residue is found in multiple mammalian species, which suggests that this missense change does not adversely affect protein function. In summary, the available evidence is currently insufficient to determine the role of this variant in disease. Therefore, it has been classified as a Variant of Uncertain Significance.